The following is an entry in ClinVar:

NM_012471.3(TRPC5):c.915C>T (p.Pro305=)

Gene: TRPC5 (transient receptor potential cation channel subfamily C member 5; minus strand). Cytogenetic location: Xq23.
Variant type: single nucleotide variant.
Coding change: c.915C>T on transcript NM_012471.3 (MANE Select); coding-DNA position 915, C replaced by T.
Protein change: p.Pro305=; no amino-acid change (proline 305 retained).
Molecular consequence: synonymous variant.
Genome position (GRCh38, 1-based): chrX:111,854,092, G>A on the plus strand (C>T on the coding strand, the complement: TRPC5 is on the minus strand). VCF-style: chrX-111854092-G-A. GRCh37 (hg19) VCF-style: chrX-111097320-G-A.
Identifiers: ClinVar variation 3354887 (VCV003354887.1).
Genomic context (GRCh38, chrX:111,854,092, plus strand): 5'-TTTCCGCCGCCATCCAGGGAAGCCATCATACCACAGGGTGGCAAGCAACTGTTGGCAGTT[G>A]GGCTGAGCAACAAACTGGGAAAAGAAGAAAACAAGTTAGGCATCTGGAATGTCCAGGAGA-3'
Protein context (NP_036603.1, residues 295-315): KYHQKEFVAQ[Pro305=]NCQQLLATLW

ClinVar aggregate classification (germline): Likely benign (0 of 4 stars; one submission).

Conditions:
TRPC5-related disorder. Also called: TRPC5-related condition.

gnomAD v4.1: 11 of 1,207,613 alleles (0.00091%); highest among the groups gnomAD compares: Non-Finnish European, 0.0011%; no homozygotes.

Submission:

PreventionGenetics, part of Exact Sciences
Classification: Likely benign for TRPC5-related condition. Last evaluated: 2021-10-19. Review status: no assertion criteria provided. Collection method: clinical testing. Allele origin: germline.
Comment: This variant is classified as likely benign based on ACMG/AMP sequence variant interpretation guidelines (Richards et al. 2015 PMID: 25741868, with internal and published modifications).